The following is an entry in ClinVar:

NM_002234.4(KCNA5):c.1400T>C (p.Ile467Thr)

Gene: KCNA5 (potassium voltage-gated channel subfamily A member 5; plus strand). Cytogenetic location: 12p13.32.
Variant type: single nucleotide variant.
Coding change: c.1400T>C on transcript NM_002234.4 (MANE Select); coding-DNA position 1400, T replaced by C.
Protein change: p.Ile467Thr; replaces isoleucine 467 with threonine.
Molecular consequence: missense variant.
Genome position (GRCh38, 1-based): chr12:5,045,547, T>C. VCF-style: chr12-5045547-T-C. GRCh37 (hg19) VCF-style: chr12-5154713-T-C.
Other names: c.1400T>C (NM_002234.2); short protein forms I467T.
Identifiers: ClinVar variation 537312 (VCV000537312.9), dbSNP rs746800603, ClinGen allele CA6399863.

ClinVar aggregate classification (germline): Uncertain significance. Review status: criteria provided, multiple submitters, no conflicts (2 of 4 stars). 2 submissions from 2 submitters: Uncertain significance (2). Last evaluated 2025-03-17.

Conditions:
Inborn genetic diseases. Identifiers: MedGen C0950123, MeSH D030342.
Atrial fibrillation, familial, 7 (ATFB7). Identifiers: MedGen C2677106, MONDO:0012828, OMIM 612240.

Allele frequency attached by ClinVar (database versions not stated): gnomAD 0.00001; ExAC 0.00002; gnomAD exomes 0.00002 and 0.00003; TOPMed 0.00003.

Submissions (2):

Ambry Genetics
Classification: Uncertain significance for Inborn genetic diseases. Last evaluated: 2025-03-17. Review status: criteria provided, single submitter. Criteria: Ambry Variant Classification Scheme 2023. Collection method: clinical testing. Allele origin: germline.

Labcorp Genetics (formerly Invitae), Labcorp
Classification: Uncertain significance for Atrial fibrillation, familial, 7. Last evaluated: 2024-01-15. Review status: criteria provided, single submitter. Criteria: Invitae Variant Classification Sherloc (09022015). Collection method: clinical testing. Allele origin: germline.
Comment: This sequence change replaces isoleucine, which is neutral and non-polar, with threonine, which is neutral and polar, at codon 467 of the KCNA5 protein (p.Ile467Thr). This variant is present in population databases (rs746800603, gnomAD 0.02%). This variant has not been reported in the literature in individuals affected with KCNA5-related conditions. ClinVar contains an entry for this variant (Variation ID: 537312). Advanced modeling of protein sequence and biophysical properties (such as structural, functional, and spatial information, amino acid conservation, physicochemical variation, residue mobility, and thermodynamic stability) performed at Invitae indicates that this missense variant is expected to disrupt KCNA5 protein function with a positive predictive value of 80%. In summary, the available evidence is currently insufficient to determine the role of this variant in disease. Therefore, it has been classified as a Variant of Uncertain Significance.